The following is an entry in ClinVar:

ClinVar aggregate classification (germline): Uncertain significance. Review status: criteria provided, multiple submitters, no conflicts (2 of 4 stars). 2 submissions from 2 submitters: Uncertain significance (2). Last evaluated 2025-04-07.

Conditions:
Inborn genetic diseases. Identifiers: MedGen C0950123, MeSH D030342.
TH-deficient dopa-responsive dystonia. Also called: Tyrosine Hydroxylase-Deficient Dopa-Responsive Dystonia; DYT-TH; Segawa syndrome, autosomal recessive. Identifiers: Orphanet 101150, MedGen C2673535, MONDO:0011551, OMIM 605407.

Allele frequency attached by ClinVar (database versions not stated): TOPMed 0.00001; gnomAD exomes 0.00006; gnomAD 0.00001.
gnomAD v4.1: 11 of 1,460,946 alleles (0.00075%); highest among the groups gnomAD compares: East Asian, 0.018%; no homozygotes.

Submissions (2):

Ambry Genetics
Classification: Uncertain significance for Inborn genetic diseases. Last evaluated: 2025-04-07. Review status: criteria provided, single submitter. Criteria: Ambry Variant Classification Scheme 2023. Collection method: clinical testing. Allele origin: germline.

Labcorp Genetics (formerly Invitae), Labcorp
Classification: Uncertain significance for TH-deficient dopa-responsive dystonia. Last evaluated: 2022-08-22. Review status: criteria provided, single submitter. Criteria: Invitae Variant Classification Sherloc (09022015). Collection method: clinical testing. Allele origin: germline.
Comment: This sequence change replaces glycine, which is neutral and non-polar, with aspartic acid, which is acidic and polar, at codon 528 of the TH protein (p.Gly528Asp). This variant is present in population databases (rs753632777, gnomAD 0.08%). This variant has not been reported in the literature in individuals affected with TH-related conditions. ClinVar contains an entry for this variant (Variation ID: 936679). Algorithms developed to predict the effect of missense changes on protein structure and function (SIFT, PolyPhen-2, Align-GVGD) all suggest that this variant is likely to be tolerated. In summary, the available evidence is currently insufficient to determine the role of this variant in disease. Therefore, it has been classified as a Variant of Uncertain Significance.

NM_000360.4(TH):c.1490G>A (p.Gly497Asp)

Gene: TH (tyrosine hydroxylase; minus strand). Cytogenetic location: 11p15.5.
Variant type: single nucleotide variant.
Coding change: c.1490G>A on transcript NM_000360.4 (MANE Select); coding-DNA position 1490, G replaced by A.
Protein change: p.Gly497Asp; replaces glycine 497 with aspartic acid.
Molecular consequence: missense variant.
Genome position (GRCh38, 1-based): chr11:2,164,237, C>T on the plus strand (G>A on the coding strand, the complement: TH is on the minus strand). VCF-style: chr11-2164237-C-T. GRCh37 (hg19) VCF-style: chr11-2185467-C-T.
Other names: c.1583G>A, p.Gly528Asp (NM_199292.3); c.1571G>A, p.Gly524Asp (NM_199293.3); short protein forms G497D, G524D, G528D.
Identifiers: ClinVar variation 936679 (VCV000936679.42), dbSNP rs753632777, ClinGen allele CA5818231.